The following is an entry in ClinVar:

ClinVar aggregate classification (germline): Likely benign. Review status: criteria provided, multiple submitters, no conflicts (2 of 4 stars). 2 submissions from 2 submitters: Likely benign (2). Last evaluated 2024-09-13.

Conditions:
Hereditary diffuse gastric adenocarcinoma (HDGC). Also called: DIFFUSE GASTRIC AND LOBULAR BREAST CANCER SYNDROME. Identifiers: Orphanet 26106, MedGen C1708349, MONDO:0007648, OMIM 137215.

Submissions (2):

Myriad Genetics, Inc.
Classification: Likely benign for Hereditary diffuse gastric adenocarcinoma. Last evaluated: 2024-09-13. Review status: criteria provided, single submitter. Criteria: Myriad Autosomal Dominant, Autosomal Recessive and X-Linked Classification Criteria (2023). Collection method: clinical testing. Allele origin: unknown.
Comment: This variant is considered likely benign. This variant is intronic and is not expected to impact mRNA splicing.

Labcorp Genetics (formerly Invitae), Labcorp
Classification: Likely benign for Hereditary diffuse gastric adenocarcinoma. Last evaluated: 2021-10-23. Review status: criteria provided, single submitter. Criteria: Invitae Variant Classification Sherloc (09022015). Collection method: clinical testing. Allele origin: germline.

NM_004360.5(CDH1):c.532-8G>A

Gene: CDH1 (cadherin 1; plus strand). Cytogenetic location: 16q22.1.
Variant type: single nucleotide variant.
Coding change: c.532-8G>A on transcript NM_004360.5 (MANE Select); 8 bases into the intron before coding-DNA position 532, G replaced by A.
Molecular consequence: intron variant.
Genome position (GRCh38, 1-based): chr16:68,808,685, G>A. VCF-style: chr16-68808685-G-A. GRCh37 (hg19) VCF-style: chr16-68842588-G-A.
Other names: c.-1084-8G>A (NM_001317185.2); c.-1288-8G>A (NM_001317186.2); c.532-8G>A (NM_001317184.2).
Identifiers: ClinVar variation 1612608 (VCV001612608.9), dbSNP rs1960735285, ClinGen allele CA2573152584.